The following is an entry in ClinVar:

NM_001079866.2(BCS1L):c.-50+282C>T

Gene: BCS1L (BCS1 homolog, ubiquinol-cytochrome c reductase complex chaperone; plus strand). Cytogenetic location: 2q35.
Variant type: single nucleotide variant.
Coding change: c.-50+282C>T on transcript NM_001079866.2 (MANE Select); 282 bases into the intron after 50 bases upstream of the start codon, C replaced by T.
Molecular consequence: intron variant. On other transcripts: 5 prime UTR variant (6).
Genome position (GRCh38, 1-based): chr2:218,660,025, C>T. VCF-style: chr2-218660025-C-T. GRCh37 (hg19) VCF-style: chr2-219524748-C-T.
Other names: c.-773C>T (NM_001371446.1); c.-446C>T (NM_001371450.1); c.-764C>T (NM_001371451.1); c.-922C>T (NM_001371454.1); c.-963C>T (NM_001374085.1); c.-1439C>T (NM_001374086.1); c.-165+214C>T (NM_001371448.1); c.-165+225C>T (NM_001320717.2); and 13 more.
Identifiers: ClinVar variation 512097 (VCV000512097.1), dbSNP rs774164629, ClinGen allele CA65807735.

ClinVar aggregate classification (germline): Likely benign (1 of 4 stars; one submission).

Allele frequency attached by ClinVar (database versions not stated): TOPMed 0.00006; gnomAD 0.00007.

Submission:

GeneDx
Classification: Likely benign. Last evaluated: 2017-10-02. Review status: criteria provided, single submitter. Criteria: GeneDx Variant Classification (06012015). Collection method: clinical testing. Allele origin: germline. Affected: yes.
Comment: This variant is considered likely benign or benign based on one or more of the following criteria: it is a conservative change, it occurs at a poorly conserved position in the protein, it is predicted to be benign by multiple in silico algorithms, and/or has population frequency not consistent with disease.